The following is an entry in ClinVar:

NM_002641.4(PIGA):c.113T>C (p.Val38Ala)

Gene: PIGA (phosphatidylinositol glycan anchor biosynthesis class A; minus strand). Cytogenetic location: Xp22.2.
Variant type: single nucleotide variant.
Coding change: c.113T>C on transcript NM_002641.4 (MANE Select); coding-DNA position 113, T replaced by C.
Protein change: p.Val38Ala; replaces valine 38 with alanine.
Molecular consequence: missense variant. On other transcripts: non-coding transcript variant (1), intron variant (1).
Genome position (GRCh38, 1-based): chrX:15,331,818, A>G on the plus strand (T>C on the coding strand, the complement: PIGA is on the minus strand). VCF-style: chrX-15331818-A-G. GRCh37 (hg19) VCF-style: chrX-15349940-A-G.
Other names: c.13+3683T>C (NM_020473.3); short protein forms V38A.
Identifiers: ClinVar variation 390052 (VCV000390052.4), dbSNP rs1057523626, ClinGen allele CA16608721.

ClinVar aggregate classification (germline): Likely pathogenic (1 of 4 stars; one submission).

Submission:

GeneDx
Classification: Likely pathogenic. Last evaluated: 2022-03-09. Review status: criteria provided, single submitter. Criteria: GeneDx Variant Classification Process June 2021. Collection method: clinical testing. Allele origin: germline. Affected: yes.
Comment: Not observed at significant frequency in large population cohorts (gnomAD); In silico analysis supports that this missense variant has a deleterious effect on protein structure/function; Has not been previously published as pathogenic or benign to our knowledge